The following is an entry in ClinVar:

NM_001082486.2(ACD):c.302G>T (p.Cys101Phe)

Gene: ACD (ACD shelterin complex subunit and telomerase recruitment factor; minus strand). Cytogenetic location: 16q22.1.
Variant type: single nucleotide variant.
Coding change: c.302G>T on transcript NM_001082486.2 (MANE Select); coding-DNA position 302, G replaced by T.
Protein change: p.Cys101Phe; replaces cysteine 101 with phenylalanine.
Molecular consequence: missense variant.
Genome position (GRCh38, 1-based): chr16:67,659,736, C>A on the plus strand (G>T on the coding strand, the complement: ACD is on the minus strand). VCF-style: chr16-67659736-C-A. GRCh37 (hg19) VCF-style: chr16-67693639-C-A.
Other names: c.302G>T, p.Cys101Phe (NM_001410884.1); c.293G>T, p.Cys98Phe (NM_022914.3); short protein forms C101F, C98F.
Identifiers: ClinVar variation 1748626 (VCV001748626.2), dbSNP rs929345358, ClinGen allele CA283218448.

ClinVar aggregate classification (germline): Uncertain significance (1 of 4 stars; one submission).

Conditions:
Inborn genetic diseases. Identifiers: MedGen C0950123, MeSH D030342.

Allele frequency attached by ClinVar (database versions not stated): TOPMed below 0.00001.

Submission:

Ambry Genetics
Classification: Uncertain significance for Inborn genetic diseases. Last evaluated: 2021-07-02. Review status: criteria provided, single submitter. Criteria: Ambry Variant Classification Scheme 2023. Collection method: clinical testing. Allele origin: germline.
Comment: The p.C187F variant (also known as c.560G>T), located in coding exon 3 of the ACD gene, results from a G to T substitution at nucleotide position 560. The cysteine at codon 187 is replaced by phenylalanine, an amino acid with highly dissimilar properties. This amino acid position is conserved. In addition, this alteration is predicted to be tolerated by in silico analysis. Since supporting evidence is limited at this time, the clinical significance of this alteration remains unclear.